The following is an entry in ClinVar:

NM_001399.5(EDA):c.491A>C (p.Glu164Ala)

Gene: EDA (ectodysplasin A; plus strand). Cytogenetic location: Xq13.1.
Variant type: single nucleotide variant.
Coding change: c.491A>C on transcript NM_001399.5 (MANE Select); coding-DNA position 491, A replaced by C.
Protein change: p.Glu164Ala; replaces glutamic acid 164 with alanine.
Molecular consequence: missense variant.
Genome position (GRCh38, 1-based): chrX:69,957,121, A>C. VCF-style: chrX-69957121-A-C. GRCh37 (hg19) VCF-style: chrX-69176971-A-C.
Other names: c.491A>C, p.Glu164Ala (NM_001005609.2, NM_001005612.3); short protein forms E164A.
Identifiers: ClinVar variation 44195 (VCV000044195.17), dbSNP rs397516663, ClinGen allele CA133747.
Genomic context (GRCh38, chrX:69,957,121, plus strand): 5'-AGCCATACTCTGAAGAAGAAAGTAGGCGTGTTCGCCGCAATAAAAGAAGCAAAAGCAATG[A>C]AGGAGCAGATGGTAAGTCTACTCAGTTGATCCTTTATCACTTCTGAATTATTTGTTAGTA-3'
Protein context (NP_001390.1, residues 154-174): VRRNKRSKSN[Glu164Ala]GADGPVKNKK

ClinVar aggregate classification (germline): Conflicting classifications of pathogenicity. Review status: criteria provided, conflicting classifications (1 of 4 stars). 3 submissions from 3 submitters: Uncertain significance (2); Benign (1). Last evaluated 2024-12-03.

Conditions:
Hypohidrotic X-linked ectodermal dysplasia (XHED). Also called: Anhidrotic ectodermal dysplasia X-linked; Christ Siemens Touraine syndrome; ECTODERMAL DYSPLASIA 1, HYPOHIDROTIC, X-LINKED; ECTODERMAL DYSPLASIA 1, HYPOHIDROTIC/HAIR/TOOTH TYPE, X-LINKED; ECTODERMAL DYSPLASIA, HYPOHIDROTIC, 1; CST SYNDROME. Identifiers: Orphanet 181, Orphanet 238468, MedGen C0162359, MONDO:0010585, OMIM 305100.

Allele frequency attached by ClinVar (database versions not stated): gnomAD exomes 0.00006 and 0.00030; gnomAD 0.00008 and 0.00009; TOPMed 0.00012; ExAC 0.00019; 1000 Genomes Project 30x 0.00021; 1000 Genomes Project 0.00026.
gnomAD v4.1: 91 of 1,205,355 alleles (0.0075%); highest among the groups gnomAD compares: East Asian, 0.23%; no homozygotes.

Submissions (3):

Labcorp Genetics (formerly Invitae), Labcorp
Classification: Benign for Hypohidrotic X-linked ectodermal dysplasia. Last evaluated: 2024-12-03. Review status: criteria provided, single submitter. Criteria: Invitae Variant Classification Sherloc (09022015). Collection method: clinical testing. Allele origin: germline.

Mendelics
Classification: Uncertain significance for Hypohidrotic X-linked ectodermal dysplasia. Last evaluated: 2019-05-28. Review status: criteria provided, single submitter. Criteria: Mendelics Assertion Criteria 2017. Collection method: clinical testing. Allele origin: unknown.

Laboratory for Molecular Medicine, Mass General Brigham Personalized Medicine
Classification: Uncertain significance. Last evaluated: 2012-08-24. Review status: criteria provided, single submitter. Criteria: LMM Criteria. Collection method: clinical testing. Allele origin: germline. Observed: 1 variant allele.
Comment: Variant classified as Uncertain Significance - Favor Pathogenic. Although additional data is needed to determine the clinical s ignificance of this variant, we would lean towards a more likely pathogenic role for this variant.

Literature cited by the submitters: PubMed 18821982 (cited by Laboratory for Molecular Medicine, Mass General Brigham Personalized Medicine).